The following is an entry in ClinVar:

ClinVar aggregate classification (germline): Benign/Likely benign. Review status: criteria provided, multiple submitters, no conflicts (2 of 4 stars). 2 submissions from 2 submitters: Benign (1); Likely benign (1). Last evaluated 2025-04-17.

Conditions:
Focal segmental glomerulosclerosis 5 (FSGS5). Identifiers: Orphanet 656, MedGen C2750475, MONDO:0013191, OMIM 613237.
Charcot-Marie-Tooth disease dominant intermediate E. Also called: CHARCOT-MARIE-TOOTH NEUROPATHY WITH FOCAL SEGMENTAL GLOMERULONEPHRITIS. Identifiers: Orphanet 93114, MedGen C4302667, MONDO:0013758, OMIM 614455.

Allele frequency attached by ClinVar (database versions not stated): TOPMed 0.00001; ExAC 0.00002; gnomAD 0.00002 and 0.00003; gnomAD exomes 0.00002; 1000 Genomes Project 30x 0.00031; 1000 Genomes Project 0.00040.
gnomAD v4.1: 31 of 1,612,124 alleles (0.0019%); highest among the groups gnomAD compares: African/African-American, 0.004%; no homozygotes.

Submissions (2):

Labcorp Genetics (formerly Invitae), Labcorp
Classification: Likely benign for Charcot-Marie-Tooth disease dominant intermediate E; Focal segmental glomerulosclerosis 5. Last evaluated: 2025-04-17. Review status: criteria provided, single submitter. Criteria: Invitae Variant Classification Sherloc (09022015). Collection method: clinical testing. Allele origin: germline.

Illumina Laboratory Services, Illumina
Classification: Benign for Focal segmental glomerulosclerosis 5. Last evaluated: 2018-01-13. Review status: criteria provided, single submitter. Criteria: ICSL Variant Classification Criteria 13 December 2019. Collection method: clinical testing. Allele origin: germline.
Comment: This variant was observed in the ICSL laboratory as part of a predisposition screen in an ostensibly healthy population. It had not been previously curated by ICSL or reported in the Human Gene Mutation Database (HGMD: prior to June 1st, 2018), and was therefore a candidate for classification through an automated scoring system. Utilizing variant allele frequency, disease prevalence and penetrance estimates, and inheritance mode, an automated score was calculated to assess if this variant is too frequent to cause the disease. Based on the score and internal cut-off values, a variant classified as benign is not then subjected to further curation. The score for this variant resulted in a classification of benign for this disease.

NM_022489.4(INF2):c.1865G>A (p.Arg622Gln)

Gene: INF2 (inverted formin 2; plus strand). Cytogenetic location: 14q32.33.
Variant type: single nucleotide variant.
Coding change: c.1865G>A on transcript NM_022489.4 (MANE Select); coding-DNA position 1865, G replaced by A.
Protein change: p.Arg622Gln; replaces arginine 622 with glutamine.
Molecular consequence: missense variant.
Genome position (GRCh38, 1-based): chr14:104,708,565, G>A. VCF-style: chr14-104708565-G-A. GRCh37 (hg19) VCF-style: chr14-105174902-G-A.
Other names: c.1865G>A, p.Arg622Gln (NM_001031714.4); short protein forms R622Q.
Identifiers: ClinVar variation 312696 (VCV000312696.9), dbSNP rs200155666, ClinGen allele CA7372693.